The following is an entry in ClinVar:

ClinVar aggregate classification (germline): Uncertain significance (1 of 4 stars; one submission).

Conditions:
Sulfite oxidase deficiency due to molybdenum cofactor deficiency type C. Also called: Molybdenum cofactor deficiency C; Molybdenum cofactor deficiency, complementation group C. Identifiers: Orphanet 308400, Orphanet 833, MedGen C1854990, MONDO:0014212, OMIM 615501.

Allele frequency attached by ClinVar (database versions not stated): TOPMed 0.00001; ESP Exome Variant Server 0.00008.
gnomAD v4.1: 16 of 1,613,898 alleles (0.00099%); highest among the groups gnomAD compares: Non-Finnish European, 0.0014%; no homozygotes.

Submission:

Labcorp Genetics (formerly Invitae), Labcorp
Classification: Uncertain significance for Sulfite oxidase deficiency due to molybdenum cofactor deficiency type C. Last evaluated: 2024-05-08. Review status: criteria provided, single submitter. Criteria: Invitae Variant Classification Sherloc (09022015). Collection method: clinical testing. Allele origin: germline.
Comment: This sequence change replaces isoleucine, which is neutral and non-polar, with threonine, which is neutral and polar, at codon 7 of the GPHN protein (p.Ile7Thr). This variant is present in population databases (rs370646151, gnomAD 0.002%). This variant has not been reported in the literature in individuals affected with GPHN-related conditions. ClinVar contains an entry for this variant (Variation ID: 2053121). An algorithm developed to predict the effect of missense changes on protein structure and function (PolyPhen-2) suggests that this variant is likely to be tolerated. In summary, the available evidence is currently insufficient to determine the role of this variant in disease. Therefore, it has been classified as a Variant of Uncertain Significance.

NM_020806.5(GPHN):c.20T>C (p.Ile7Thr)

Gene: GPHN (gephyrin; plus strand). Cytogenetic location: 14q23.3.
Variant type: single nucleotide variant.
Coding change: c.20T>C on transcript NM_020806.5 (MANE Select); coding-DNA position 20, T replaced by C.
Protein change: p.Ile7Thr; replaces isoleucine 7 with threonine.
Molecular consequence: missense variant.
Genome position (GRCh38, 1-based): chr14:66,508,547, T>C. VCF-style: chr14-66508547-T-C. GRCh37 (hg19) VCF-style: chr14-66975265-T-C.
Other names: c.20T>C, p.Ile7Thr (NM_001024218.2, NM_001377514.1, NM_001377515.1 and 4 more transcripts); short protein forms I7T.
Identifiers: ClinVar variation 2053121 (VCV002053121.4), dbSNP rs370646151, ClinGen allele CA7233589.